The following is an entry in ClinVar:

NM_001018113.3(FANCB):c.716A>T (p.Tyr239Phe)

Gene: FANCB (FA complementation group B; minus strand). Cytogenetic location: Xp22.2.
Variant type: single nucleotide variant.
Coding change: c.716A>T on transcript NM_001018113.3 (MANE Select); coding-DNA position 716, A replaced by T.
Protein change: p.Tyr239Phe; replaces tyrosine 239 with phenylalanine.
Molecular consequence: missense variant.
Genome position (GRCh38, 1-based): chrX:14,864,795, T>A on the plus strand (A>T on the coding strand, the complement: FANCB is on the minus strand). VCF-style: chrX-14864795-T-A. GRCh37 (hg19) VCF-style: chrX-14882917-T-A.
Other names: c.716A>T, p.Tyr239Phe (NM_001324162.2, NM_152633.4); short protein forms Y239F.
Identifiers: ClinVar variation 456187 (VCV000456187.8), dbSNP rs1555907444, ClinGen allele CA412443869.

ClinVar aggregate classification (germline): Uncertain significance (1 of 4 stars; one submission).

Conditions:
Fanconi anemia (FA). Also called: Fanconi's anemia. Identifiers: Orphanet 84, MedGen C0015625, MeSH D005199, MONDO:0019391.

Submission:

Labcorp Genetics (formerly Invitae), Labcorp
Classification: Uncertain significance for Fanconi anemia. Last evaluated: 2022-03-08. Review status: criteria provided, single submitter. Criteria: Invitae Variant Classification Sherloc (09022015). Collection method: clinical testing. Allele origin: germline.
Comment: This sequence change replaces tyrosine, which is neutral and polar, with phenylalanine, which is neutral and non-polar, at codon 239 of the FANCB protein (p.Tyr239Phe). In summary, the available evidence is currently insufficient to determine the role of this variant in disease. Therefore, it has been classified as a Variant of Uncertain Significance. Algorithms developed to predict the effect of missense changes on protein structure and function output the following: SIFT: "Tolerated"; PolyPhen-2: "Benign"; Align-GVGD: "Class C0". The phenylalanine amino acid residue is found in multiple mammalian species, which suggests that this missense change does not adversely affect protein function. ClinVar contains an entry for this variant (Variation ID: 456187). This variant has not been reported in the literature in individuals affected with FANCB-related conditions. This variant is not present in population databases (gnomAD no frequency).